The following is an entry in ClinVar:

ClinVar aggregate classification (germline): Uncertain significance (1 of 4 stars; one submission).

Conditions:
Short-rib thoracic dysplasia 14 with polydactyly (SRTD14). Identifiers: Orphanet 397715, MedGen C4225286, MONDO:0014688, OMIM 616546.
Joubert syndrome 23 (JBTS23). Identifiers: Orphanet 475, MedGen C4084822, MONDO:0014664, OMIM 616490.

Allele frequency attached by ClinVar (database versions not stated): gnomAD exomes below 0.00001; gnomAD 0.00001.
gnomAD v4.1: 8 of 1,603,390 alleles (0.0005%); highest among the groups gnomAD compares: African/African-American, 0.0013%; no homozygotes.

Submission:

Labcorp Genetics (formerly Invitae), Labcorp
Classification: Uncertain significance for Joubert syndrome 23; Short-rib thoracic dysplasia 14 with polydactyly. Last evaluated: 2022-02-19. Review status: criteria provided, single submitter. Criteria: Invitae Variant Classification Sherloc (09022015). Collection method: clinical testing. Allele origin: germline.
Comment: In summary, the available evidence is currently insufficient to determine the role of this variant in disease. Therefore, it has been classified as a Variant of Uncertain Significance. Algorithms developed to predict the effect of missense changes on protein structure and function output the following: SIFT: "Tolerated"; PolyPhen-2: "Benign"; Align-GVGD: "Class C0". The glutamine amino acid residue is found in multiple mammalian species, which suggests that this missense change does not adversely affect protein function. This variant has not been reported in the literature in individuals affected with KIAA0586-related conditions. This variant is not present in population databases (gnomAD no frequency). This sequence change replaces arginine, which is basic and polar, with glutamine, which is neutral and polar, at codon 1436 of the KIAA0586 protein (p.Arg1436Gln).

NM_001329943.3(KIAA0586):c.4148G>A (p.Arg1383Gln)

Gene: KIAA0586 (KIAA0586; plus strand). Cytogenetic location: 14q23.1.
Variant type: single nucleotide variant.
Coding change: c.4148G>A on transcript NM_001329943.3 (MANE Select); coding-DNA position 4148, G replaced by A.
Protein change: p.Arg1383Gln; replaces arginine 1383 with glutamine.
Molecular consequence: missense variant.
Genome position (GRCh38, 1-based): chr14:58,498,940, G>A. VCF-style: chr14-58498940-G-A. GRCh37 (hg19) VCF-style: chr14-58965658-G-A.
Other names: c.4307G>A, p.Arg1436Gln (NM_001244189.2); c.4103G>A, p.Arg1368Gln (NM_001244190.2); c.3893G>A, p.Arg1298Gln (NM_001244191.2, NM_001329945.2, NM_001364700.1 and 1 more transcripts); c.4016G>A, p.Arg1339Gln (NM_001244192.2, NM_001329947.2); c.3728G>A, p.Arg1243Gln (NM_001244193.2); c.4148G>A, p.Arg1383Gln (NM_001329944.2, NM_001329946.2); c.3920G>A, p.Arg1307Gln (NM_014749.5); short protein forms R1243Q, R1339Q, R1368Q, R1383Q, R1436Q, R1298Q, R1307Q.
Identifiers: ClinVar variation 2064867 (VCV002064867.4), dbSNP rs2043356052, ClinGen allele CA389885800.